The following is an entry in ClinVar:

NM_006379.5(SEMA3C):c.284C>T (p.Thr95Ile)

Gene: SEMA3C (semaphorin 3C; minus strand). Cytogenetic location: 7q21.11.
Variant type: single nucleotide variant.
Coding change: c.284C>T on transcript NM_006379.5 (MANE Select); coding-DNA position 284, C replaced by T.
Protein change: p.Thr95Ile; replaces threonine 95 with isoleucine.
Molecular consequence: missense variant.
Genome position (GRCh38, 1-based): chr7:80,827,468, G>A on the plus strand (C>T on the coding strand, the complement: SEMA3C is on the minus strand). VCF-style: chr7-80827468-G-A. GRCh37 (hg19) VCF-style: chr7-80456784-G-A.
Other names: c.338C>T, p.Thr113Ile (NM_001350120.2); c.110C>T, p.Thr37Ile (NM_001350121.2); c.338C>T (NM_001350120.1); short protein forms T95I, T37I, T113I.
Identifiers: ClinVar variation 2366506 (VCV002366506.3), dbSNP rs879390004, ClinGen allele CA161083474.
Genomic context (GRCh38, chr7:80,827,468, plus strand): 5'-TTTTTTTTAACACTTACTGTGGGATCTTTGCCAGCCATTTTGCATTCTTCAACTTTGATT[G>A]TAGATGCTGGCCAGAAAACCTGCTCAGAAAGAAAAATAAAGGTTGCATAATCTCACCTGG-3'
Protein context (NP_006370.1, residues 85-105): EALSVFWPAS[Thr95Ile]IKVEECKMAG

ClinVar aggregate classification (germline): Uncertain significance. Review status: criteria provided, single submitter (1 of 4 stars). 2 submissions from 2 submitters: Uncertain significance (1). 1 of the submissions does not count toward it. Last evaluated 2022-11-18.

Conditions:
SEMA3C-related disorder. Also called: SEMA3C-related condition.

Allele frequency attached by ClinVar (database versions not stated): TOPMed below 0.00001; gnomAD exomes 0.00001.

Submissions (2):

Ambry Genetics
Classification: Uncertain significance. Last evaluated: 2022-11-18. Review status: criteria provided, single submitter. Criteria: Ambry Variant Classification Scheme 2023. Collection method: clinical testing. Allele origin: germline.

PreventionGenetics, part of Exact Sciences
Classification: Uncertain significance for SEMA3C-related condition. Last evaluated: 2023-11-20. Review status: no assertion criteria provided. Collection method: clinical testing. Allele origin: germline. Not counted in ClinVar's aggregate classification.
Comment: The SEMA3C c.338C>T variant is predicted to result in the amino acid substitution p.Thr113Ile. To our knowledge, this variant has not been reported in the literature. This variant is reported in 0.00093% of alleles in individuals of European (Non-Finnish) descent in gnomAD. At this time, the clinical significance of this variant is uncertain due to the absence of conclusive functional and genetic evidence.